The following is an entry in ClinVar:

ClinVar aggregate classification (germline): Uncertain significance (1 of 4 stars; one submission).

Submission:

Labcorp Genetics (formerly Invitae), Labcorp
Classification: Uncertain significance. Last evaluated: 2024-10-24. Review status: criteria provided, single submitter. Criteria: Invitae Variant Classification Sherloc (09022015). Collection method: clinical testing. Allele origin: germline.
Comment: This sequence change replaces serine, which is neutral and polar, with glycine, which is neutral and non-polar, at codon 538 of the RP1 protein (p.Ser538Gly). This variant is not present in population databases (gnomAD no frequency). This variant has not been reported in the literature in individuals affected with RP1-related conditions. ClinVar contains an entry for this variant (Variation ID: 1495789). An algorithm developed to predict the effect of missense changes on protein structure and function outputs the following: PolyPhen-2: "Benign". The glycine amino acid residue is found in multiple mammalian species, which suggests that this missense change does not adversely affect protein function. In summary, the available evidence is currently insufficient to determine the role of this variant in disease. Therefore, it has been classified as a Variant of Uncertain Significance.

NM_006269.2(RP1):c.1612A>G (p.Ser538Gly)

Gene: RP1 (RP1 axonemal microtubule associated; plus strand). Cytogenetic location: 8q12.1.
Variant type: single nucleotide variant.
Coding change: c.1612A>G on transcript NM_006269.2 (MANE Select); coding-DNA position 1612, A replaced by G.
Protein change: p.Ser538Gly; replaces serine 538 with glycine.
Molecular consequence: missense variant. On other transcripts: intron variant (1).
Genome position (GRCh38, 1-based): chr8:54,625,494, A>G. VCF-style: chr8-54625494-A-G. GRCh37 (hg19) VCF-style: chr8-55538054-A-G.
Other names: c.787+3206A>G (NM_001375654.1); short protein forms S538G.
Identifiers: ClinVar variation 1495789 (VCV001495789.6), dbSNP rs757568473, ClinGen allele CA370990985.
Genomic context (GRCh38, chr8:54,625,494, plus strand): 5'-GTTCAGATCAATAACAATGATCAAATGGAGGAGTCATCATTAGAAAGAAAAAAGGAAAAC[A>G]GTCTGCTTAAGTCAAGTGCAATAAGTGCTGGTGTTATAGAAATTACAAGTCAGAAGATGT-3'
Protein context (NP_006260.1, residues 528-548): ESSLERKKEN[Ser538Gly]LLKSSAISAG